The following is an entry in ClinVar:

NM_001370259.2(MEN1):c.172G>A (p.Val58Ile)

Gene: MEN1 (menin 1; minus strand). Cytogenetic location: 11q13.1.
Variant type: single nucleotide variant.
Coding change: c.172G>A on transcript NM_001370259.2 (MANE Select); coding-DNA position 172, G replaced by A.
Protein change: p.Val58Ile; replaces valine 58 with isoleucine.
Molecular consequence: missense variant. On other transcripts: non-coding transcript variant (4).
Genome position (GRCh38, 1-based): chr11:64,809,938, C>T on the plus strand (G>A on the coding strand, the complement: MEN1 is on the minus strand). VCF-style: chr11-64809938-C-T. GRCh37 (hg19) VCF-style: chr11-64577410-C-T.
Other names: c.172G>A, p.Val58Ile (NM_000244.4, NM_001370251.2, NM_001370260.2 and 20 more transcripts); short protein forms V58I.
Identifiers: ClinVar variation 3872252 (VCV003872252.1).

ClinVar aggregate classification (germline): Uncertain significance (1 of 4 stars; one submission).

Conditions:
Hereditary cancer-predisposing syndrome. Also called: Tumor predisposition; Neoplastic Syndromes, Hereditary; Hereditary Cancer Syndrome; Hereditary neoplastic syndrome. Identifiers: Orphanet 140162, MedGen C0027672, MeSH D009386, MONDO:0015356.

Submission:

Ambry Genetics
Classification: Uncertain significance for Hereditary cancer-predisposing syndrome. Last evaluated: 2025-02-02. Review status: criteria provided, single submitter. Criteria: Ambry Variant Classification Scheme 2023. Collection method: clinical testing. Allele origin: germline.
Comment: The p.V58I variant (also known as c.172G>A), located in coding exon 1 of the MEN1 gene, results from a G to A substitution at nucleotide position 172. The valine at codon 58 is replaced by isoleucine, an amino acid with highly similar properties. This amino acid position is conserved. In addition, the in silico prediction for this alteration is inconclusive. Based on the available evidence, the clinical significance of this variant remains unclear.